The following is an entry in ClinVar:

ClinVar aggregate classification (germline): Uncertain significance (1 of 4 stars; one submission).

Conditions:
Hereditary cancer-predisposing syndrome. Also called: Neoplastic Syndromes, Hereditary; Tumor predisposition; Hereditary neoplastic syndrome; Hereditary Cancer Syndrome. Identifiers: Orphanet 140162, MedGen C0027672, MeSH D009386, MONDO:0015356.

Submission:

Ambry Genetics
Classification: Uncertain significance for Hereditary cancer-predisposing syndrome. Last evaluated: 2026-09-06. Review status: criteria provided, single submitter. Criteria: Ambry Variant Classification Scheme 2023. Collection method: clinical testing. Allele origin: germline.
Comment: The p.H179P variant (also known as c.536A>C), located in coding exon 6 of the BRCA2 gene, results from an A to C substitution at nucleotide position 536. The histidine at codon 179 is replaced by proline, an amino acid with similar properties. This amino acid position is conserved. In addition, this alteration is predicted to be tolerated by in silico analysis. Based on the available evidence, the clinical significance of this variant remains unclear.

NM_000059.4(BRCA2):c.536A>C (p.His179Pro)

Gene: BRCA2 (BRCA2 DNA repair associated; plus strand). Cytogenetic location: 13q13.1.
Variant type: single nucleotide variant.
Coding change: c.536A>C on transcript NM_000059.4 (MANE Select); coding-DNA position 536, A replaced by C.
Protein change: p.His179Pro; replaces histidine 179 with proline.
Molecular consequence: missense variant. On other transcripts: non-coding transcript variant (1).
Genome position (GRCh38, 1-based): chr13:32,326,518, A>C. VCF-style: chr13-32326518-A-C. GRCh37 (hg19) VCF-style: chr13-32900655-A-C.
Other names: c.536A>C, p.His179Pro (NM_001406719.1, NM_001406720.1, NM_001406721.1 and 1 more transcripts); c.167A>C, p.His56Pro (NM_001406722.1); short protein forms H179P, H56P.
Identifiers: ClinVar variation 5033370 (VCV005033370.1).